The following is an entry in ClinVar:

NM_001375380.1(EBF3):c.486-12A>G

Gene: EBF3 (EBF transcription factor 3; minus strand). Cytogenetic location: 10q26.3.
Variant type: single nucleotide variant.
Coding change: c.486-12A>G on transcript NM_001375380.1 (MANE Select); 12 bases into the intron before coding-DNA position 486, A replaced by G.
Molecular consequence: intron variant.
Genome position (GRCh38, 1-based): chr10:129,957,338, T>C on the plus strand (A>G on the coding strand, the complement: EBF3 is on the minus strand). VCF-style: chr10-129957338-T-C. GRCh37 (hg19) VCF-style: chr10-131755602-T-C.
Other names: c.486-12A>G (NM_001375392.1, NM_001005463.3, NM_001375390.1 and 3 more transcripts).
Identifiers: ClinVar variation 1810200 (VCV001810200.2), dbSNP rs1452679706, ClinGen allele CA2580082460.

ClinVar aggregate classification (germline): Likely pathogenic (1 of 4 stars; one submission).

Conditions:
Hypotonia, ataxia, and delayed development syndrome (HADDS). Also called: EBF3 Neurodevelopmental Disorder. Identifiers: Orphanet 658843, MedGen C4310618, MONDO:0015021, OMIM 617330.

Submission:

Cytogenetique et Genetique Moleculaire, CHU Besancon
Classification: Likely pathogenic for Hypotonia, ataxia, and delayed development syndrome. Last evaluated: 2022-09-01. Review status: criteria provided, single submitter. Criteria: ACMG Guidelines 2015. Collection method: clinical testing. Allele origin: de novo. Inheritance: Autosomal dominant inheritance. Affected: yes. Observed: 1 variant allele.

Literature cited by the submitters: PubMed 28017370; PubMed 28017373; PubMed 28017372.